The following is an entry in ClinVar:

NM_001010909.5(MUC21):c.735C>T (p.Ser245=)

Genes: MUC21 (mucin 21, cell surface associated; plus strand), LOC126859647 (CDK7 strongly-dependent group 2 enhancer GRCh37_chr6:30954612-30955811; plus strand). Cytogenetic location: 6p21.33.
Variant type: single nucleotide variant.
Coding change: c.735C>T on transcript NM_001010909.5 (MANE Select); coding-DNA position 735, C replaced by T.
Protein change: p.Ser245=; no amino-acid change (serine 245 retained).
Molecular consequence: synonymous variant. On other transcripts: non-coding transcript variant (1).
Genome position (GRCh38, 1-based): chr6:30,986,910, C>T. VCF-style: chr6-30986910-C-T. GRCh37 (hg19) VCF-style: chr6-30954687-C-T.
Identifiers: ClinVar variation 3778075 (VCV003778075.7).
Genomic context (GRCh38, chr6:30,986,910, plus strand): 5'-CACCAACTCTGAGTCCAGCACGACCTCCAGTGGGGCCAGCACAGCCACCAACTCTGAGTC[C>T]AGCACACCCTCCAGTGGGGCCGGCACAGCCACCAACTCTGAGTCCAGCACGACCTCCAGT-3'
Protein context (NP_001010909.2, residues 235-255): SGASTATNSE[Ser245=]STPSSGAGTA

ClinVar aggregate classification (germline): Likely benign (1 of 4 stars; one submission).

Submission:

CeGaT Center for Human Genetics Tuebingen
Classification: Likely benign. Last evaluated: 2026-09-01. Review status: criteria provided, single submitter. Criteria: CeGaT Center For Human Genetics Tuebingen Variant Classification Criteria Version 2. Collection method: clinical testing. Allele origin: germline. Affected: yes. Observed: 2 variant alleles.
Comment: MUC21: BP4, BP7